The following is an entry in ClinVar:

NM_014317.5(PDSS1):c.70G>C (p.Gly24Arg)

Gene: PDSS1 (decaprenyl diphosphate synthase subunit 1; plus strand). Cytogenetic location: 10p12.1.
Variant type: single nucleotide variant.
Coding change: c.70G>C on transcript NM_014317.5 (MANE Select); coding-DNA position 70, G replaced by C.
Protein change: p.Gly24Arg; replaces glycine 24 with arginine.
Molecular consequence: missense variant. On other transcripts: 5 prime UTR variant (1).
Genome position (GRCh38, 1-based): chr10:26,697,781, G>C. VCF-style: chr10-26697781-G-C. GRCh37 (hg19) VCF-style: chr10-26986710-G-C.
Other names: c.70G>C (NM_014317.3); c.70G>C, p.Gly24Arg (NM_001321978.2); c.-524G>C (NM_001321979.2); short protein forms G24R.
Identifiers: ClinVar variation 1364494 (VCV001364494.10), dbSNP rs1002908038, ClinGen allele CA205006620.
Genomic context (GRCh38, chr10:26,697,781, plus strand): 5'-CGCTGGTGGCGGTGGCGGCGCGGCTGCTCCTGGAAGCCGGCGGCGCGGAGCCCCGGGCCC[G>C]GCTCCCCCGGCCGTGCGGGACCGTTGGGGCCGAGCGCCGCTGCCGAAGTCCGCGCGCAGG-3'
Protein context (NP_055132.2, residues 14-34): WKPAARSPGP[Gly24Arg]SPGRAGPLGP

ClinVar aggregate classification (germline): Uncertain significance. Review status: criteria provided, multiple submitters, no conflicts (2 of 4 stars). 4 submissions from 4 submitters: Uncertain significance (4). Last evaluated 2025-08-31.

Conditions:
Inborn genetic diseases. Identifiers: MedGen C0950123, MeSH D030342.
Deafness-encephaloneuropathy-obesity-valvulopathy syndrome. Identifiers: Orphanet 254898, MedGen C3553354, MONDO:0013837, OMIM 614651.

Allele frequency attached by ClinVar (database versions not stated): gnomAD 0.00001 and 0.00002; TOPMed 0.00002; 1000 Genomes Project 30x 0.00031.
gnomAD v4.1: 84 of 1,300,716 alleles (0.0065%); highest among the groups gnomAD compares: Non-Finnish European, 0.0079%; no homozygotes.

Submissions (4):

Ambry Genetics
Classification: Uncertain significance for Inborn genetic diseases. Last evaluated: 2025-08-31. Review status: criteria provided, single submitter. Criteria: Ambry Variant Classification Scheme 2023. Collection method: clinical testing. Allele origin: germline.

Fulgent Genetics
Classification: Uncertain significance for Deafness-encephaloneuropathy-obesity-valvulopathy syndrome. Last evaluated: 2024-03-08. Review status: criteria provided, single submitter. Criteria: ACMG Guidelines, 2015. Collection method: clinical testing. Allele origin: germline.

Blueprint Genetics
Classification: Uncertain significance. Last evaluated: 2022-10-24. Review status: criteria provided, single submitter. Criteria: ACMG Guidelines, 2015. Collection method: clinical testing. Allele origin: germline.

Labcorp Genetics (formerly Invitae), Labcorp
Classification: Uncertain significance. Last evaluated: 2022-07-19. Review status: criteria provided, single submitter. Criteria: Invitae Variant Classification Sherloc (09022015). Collection method: clinical testing. Allele origin: germline.
Comment: This sequence change replaces glycine, which is neutral and non-polar, with arginine, which is basic and polar, at codon 24 of the PDSS1 protein (p.Gly24Arg). This variant is not present in population databases (gnomAD no frequency). This variant has not been reported in the literature in individuals affected with PDSS1-related conditions. ClinVar contains an entry for this variant (Variation ID: 1364494). Algorithms developed to predict the effect of missense changes on protein structure and function are either unavailable or do not agree on the potential impact of this missense change (SIFT: "Not Available"; PolyPhen-2: "Benign"; Align-GVGD: "Not Available"). In summary, the available evidence is currently insufficient to determine the role of this variant in disease. Therefore, it has been classified as a Variant of Uncertain Significance.